The following is an entry in ClinVar:

ClinVar aggregate classification (germline): Likely benign (1 of 4 stars; one submission).

Submission:

CeGaT Center for Human Genetics Tuebingen
Classification: Likely benign. Last evaluated: 2023-02-01. Review status: criteria provided, single submitter. Criteria: CeGaT Center For Human Genetics Tuebingen Variant Classification Criteria Version 2. Collection method: clinical testing. Allele origin: germline. Affected: yes. Observed: 1 variant allele.
Comment: THADA: PM2:Supporting, BP4, BP7

NM_022065.5(THADA):c.3324A>T (p.Ala1108=)

Gene: THADA (THADA armadillo repeat containing; minus strand). Cytogenetic location: 2p21.
Variant type: single nucleotide variant.
Coding change: c.3324A>T on transcript NM_022065.5 (MANE Select); coding-DNA position 3324, A replaced by T.
Protein change: p.Ala1108=; no amino-acid change (alanine 1108 retained).
Molecular consequence: synonymous variant. On other transcripts: non-coding transcript variant (2).
Genome position (GRCh38, 1-based): chr2:43,527,929, T>A on the plus strand (A>T on the coding strand, the complement: THADA is on the minus strand). VCF-style: chr2-43527929-T-A. GRCh37 (hg19) VCF-style: chr2-43755068-T-A.
Other names: c.3324A>T, p.Ala1108= (NM_001083953.2, NM_001345925.2); c.3321A>T, p.Ala1107= (NM_001345923.2); c.3201A>T, p.Ala1067= (NM_001345924.2); c.2454A>T, p.Ala818= (NM_198554.1).
Identifiers: ClinVar variation 2650856 (VCV002650856.24), dbSNP rs761177947, ClinGen allele CA425744907.